The following is an entry in ClinVar:

NM_144701.3(IL23R):c.252A>C (p.Thr84=)

Gene: IL23R (interleukin 23 receptor; plus strand). Cytogenetic location: 1p31.3.
Variant type: single nucleotide variant.
Coding change: c.252A>C on transcript NM_144701.3 (MANE Select); coding-DNA position 252, A replaced by C.
Protein change: p.Thr84=; no amino-acid change (threonine 84 retained).
Molecular consequence: synonymous variant.
Genome position (GRCh38, 1-based): chr1:67,169,523, A>C. VCF-style: chr1-67169523-A-C. GRCh37 (hg19) VCF-style: chr1-67635206-A-C.
Identifiers: ClinVar variation 775559 (VCV000775559.22), dbSNP rs11465779, ClinGen allele CA899669.

ClinVar aggregate classification (germline): Benign/Likely benign. Review status: criteria provided, multiple submitters, no conflicts (2 of 4 stars). 3 submissions from 3 submitters: Benign (1); Likely benign (2). Last evaluated 2026-01-26.

Allele frequency attached by ClinVar (database versions not stated): gnomAD exomes 0.00025 and 0.00047; ExAC 0.00053; 1000 Genomes Project 0.00160; 1000 Genomes Project 30x 0.00172; ESP Exome Variant Server 0.00208; gnomAD 0.00226 and 0.00244; TOPMed 0.00256.

Submissions (3):

Labcorp Genetics (formerly Invitae), Labcorp
Classification: Benign. Last evaluated: 2026-01-26. Review status: criteria provided, single submitter. Criteria: Invitae Variant Classification Sherloc (09022015). Collection method: clinical testing. Allele origin: germline.

CeGaT Center for Human Genetics Tuebingen
Classification: Likely benign. Last evaluated: 2024-12-01. Review status: criteria provided, single submitter. Criteria: CeGaT Center For Human Genetics Tuebingen Variant Classification Criteria Version 2. Collection method: clinical testing. Allele origin: germline. Affected: yes. Observed: 1 variant allele.
Comment: IL23R: BP4, BP7

Blueprint Genetics
Classification: Likely benign. Last evaluated: 2024-10-07. Review status: criteria provided, single submitter. Criteria: ACMG Guidelines, 2015. Collection method: clinical testing. Allele origin: germline.